The following is an entry in ClinVar:

ClinVar aggregate classification (germline): Likely benign. Review status: criteria provided, multiple submitters, no conflicts (2 of 4 stars). 2 submissions from 2 submitters: Likely benign (2). Last evaluated 2022-08-01.

Conditions:
Skeletal overgrowth-craniofacial dysmorphism-hyperelastic skin-white matter lesions syndrome. Also called: SKELETAL OVERGROWTH WITH FACIAL DYSMORPHISM, HYPERELASTIC SKIN, WHITE MATTER LESIONS, AND NEUROLOGIC DETERIORATION; Kosaki overgrowth syndrome. Identifiers: Orphanet 477831, MedGen C4225270, MONDO:0014704, OMIM 616592.
Acroosteolysis-keloid-like lesions-premature aging syndrome. Also called: Premature aging syndrome, Penttinen type; Prematurely aged appearance, delayed bone maturation, acro-osteolysis, and brachydactyly; Progeroid syndrome, Penttinen type. Identifiers: Orphanet 363665, MedGen C1866182, MONDO:0011150, OMIM 601812.
Infantile myofibromatosis (IMF). Also called: Congenital generalized fibromatosis. Identifiers: Orphanet 2591, MedGen C0432284, MONDO:0016824.
Basal ganglia calcification, idiopathic, 4 (PFBC4). Also called: PRIMARY FAMILIAL BRAIN CALCIFICATION 4, AUTOSOMAL DOMINANT; Familial Idiopathic Basal Ganglia Calcification 4. Identifiers: Orphanet 1980, MedGen C3554321, MONDO:0014004, OMIM 615007.

Allele frequency attached by ClinVar (database versions not stated): ESP Exome Variant Server 0.00008; gnomAD exomes 0.00003 and 0.00001; TOPMed 0.00003; gnomAD 0.00004 and 0.00003; ExAC 0.00005.
gnomAD v4.1: 19 of 1,607,948 alleles (0.0012%); highest among the groups gnomAD compares: African/African-American, 0.008%; no homozygotes.

Submissions (2):

CeGaT Center for Human Genetics Tuebingen
Classification: Likely benign. Last evaluated: 2022-08-01. Review status: criteria provided, single submitter. Criteria: CeGaT Center For Human Genetics Tuebingen Variant Classification Criteria Version 2. Collection method: clinical testing. Allele origin: germline. Affected: yes. Observed: 1 variant allele.
Comment: PDGFRB: BP4, BP7

Labcorp Genetics (formerly Invitae), Labcorp
Classification: Likely benign for Basal ganglia calcification, idiopathic, 4; Skeletal overgrowth-craniofacial dysmorphism-hyperelastic skin-white matter lesions syndrome; Infantile myofibromatosis; Acroosteolysis-keloid-like lesions-premature aging syndrome. Last evaluated: 2020-02-21. Review status: criteria provided, single submitter. Criteria: Invitae Variant Classification Sherloc (09022015). Collection method: clinical testing. Allele origin: germline.

NM_002609.4(PDGFRB):c.2919G>A (p.Val973=)

Gene: PDGFRB (platelet derived growth factor receptor beta; minus strand). Cytogenetic location: 5q32.
Variant type: single nucleotide variant.
Coding change: c.2919G>A on transcript NM_002609.4 (MANE Select); coding-DNA position 2919, G replaced by A.
Protein change: p.Val973=; no amino-acid change (valine 973 retained).
Molecular consequence: synonymous variant.
Genome position (GRCh38, 1-based): chr5:150,117,836, C>T on the plus strand (G>A on the coding strand, the complement: PDGFRB is on the minus strand). VCF-style: chr5-150117836-C-T. GRCh37 (hg19) VCF-style: chr5-149497399-C-T.
Other names: c.2727G>A, p.Val909= (NM_001355016.2); c.2436G>A, p.Val812= (NM_001355017.2).
Identifiers: ClinVar variation 785900 (VCV000785900.35), dbSNP rs370594710, ClinGen allele CA3507473.